The following is an entry in ClinVar:

ClinVar aggregate classification (germline): Uncertain significance. Review status: criteria provided, multiple submitters, no conflicts (2 of 4 stars). 4 submissions from 4 submitters: Uncertain significance (4). Last evaluated 2025-07-07.

Conditions:
VPS13A-related neurodegenerative disease. Also called: LEVINE-CRITCHLEY SYNDROME; Choreoacanthocytosis; Chorea-acanthocytosis; VPS13A Disease; ACANTHOCYTOSIS WITH NEUROLOGIC DISORDER; Choreaacanthocytosis. Identifiers: Orphanet 2388, MedGen C0393576, MONDO:0008695, OMIM 200150.

Allele frequency attached by ClinVar (database versions not stated): ExAC 0.00003; gnomAD exomes 0.00010 and 0.00007; gnomAD 0.00005; ESP Exome Variant Server 0.00008; TOPMed 0.00005; 1000 Genomes Project 30x 0.00016; 1000 Genomes Project 0.00020.
gnomAD v4.1: 155 of 1,610,490 alleles (0.0096%); highest among the groups gnomAD compares: Non-Finnish European, 0.012%; no homozygotes.

Submissions (4):

Dasa
Classification: Uncertain significance. Last evaluated: 2025-07-07. Review status: criteria provided, single submitter. Criteria: DASA Assertion Criteria. Collection method: clinical testing. Allele origin: germline.
Comment: NM_033305.3(VPS13A):c.9465G>C (p.Glu3155Asp) is a missense variant that results in the substitution of glutamic acid with aspartic acid. This variant is rare in population databases. Computational prediction algorithms are consistent with a benign effect. The currently available literature and clinical evidence are not sufficient to establish a definitive association between this variant and the reported condition. Therefore, this variant is classified as a variant of uncertain significance.

GeneDx
Classification: Uncertain significance. Last evaluated: 2025-04-16. Review status: criteria provided, single submitter. Criteria: GeneDx Variant Classification Process June 2021. Collection method: clinical testing. Allele origin: germline. Affected: yes.
Comment: Has not been previously published as pathogenic or benign to our knowledge; Not observed at significant frequency in large population cohorts (gnomAD); In silico analysis indicates that this missense variant does not alter protein structure/function

Labcorp Genetics (formerly Invitae), Labcorp
Classification: Uncertain significance. Last evaluated: 2024-01-22. Review status: criteria provided, single submitter. Criteria: Invitae Variant Classification Sherloc (09022015). Collection method: clinical testing. Allele origin: germline.
Comment: This sequence change replaces glutamic acid, which is acidic and polar, with aspartic acid, which is acidic and polar, at codon 3155 of the VPS13A protein (p.Glu3155Asp). This variant is present in population databases (rs200351756, gnomAD 0.01%). This variant has not been reported in the literature in individuals affected with VPS13A-related conditions. ClinVar contains an entry for this variant (Variation ID: 1312673). An algorithm developed to predict the effect of missense changes on protein structure and function (PolyPhen-2) suggests that this variant¬†is likely to be tolerated. In summary, the available evidence is currently insufficient to determine the role of this variant in disease. Therefore, it has been classified as a Variant of Uncertain Significance.

Department of Pathology and Laboratory Medicine, Sinai Health System
Classification: Uncertain significance for VPS13A-related neurodegenerative disease. Last evaluated: 2021-11-09. Review status: criteria provided, single submitter. Criteria: ACMG Guidelines, 2015. Collection method: research. Allele origin: germline.

NM_033305.3(VPS13A):c.9465G>C (p.Glu3155Asp)

Gene: VPS13A (vacuolar protein sorting 13 homolog A; plus strand). Cytogenetic location: 9q21.2.
Variant type: single nucleotide variant.
Coding change: c.9465G>C on transcript NM_033305.3 (MANE Select); coding-DNA position 9465, G replaced by C.
Protein change: p.Glu3155Asp; replaces glutamic acid 3155 with aspartic acid.
Molecular consequence: missense variant.
Genome position (GRCh38, 1-based): chr9:77,407,598, G>C. VCF-style: chr9-77407598-G-C. GRCh37 (hg19) VCF-style: chr9-80022514-G-C.
Other names: c.9348G>C, p.Glu3116Asp (NM_001018037.2); short protein forms E3116D, E3155D.
Identifiers: ClinVar variation 1312673 (VCV001312673.9), dbSNP rs200351756, ClinGen allele CA5094062.